The following is an entry in ClinVar:

ClinVar aggregate classification (germline): Pathogenic. Review status: criteria provided, single submitter (1 of 4 stars). 2 submissions from 2 submitters: Pathogenic (1). 1 of the submissions does not count toward it. Last evaluated 2021-03-01.

Conditions:
Marfan syndrome (MFS). Also called: Marfan syndrome type 1; Marfan syndrome, classic; Marfan's syndrome; FBN1-Related Marfan Syndrome; MARFAN SYNDROME, TYPE I. Identifiers: Orphanet 284963, Orphanet 558, MedGen C0024796, MONDO:0007947, OMIM 154700.

Submissions (2):

Centre of Medical Genetics, University of Antwerp
Classification: Pathogenic for Marfan syndrome. Last evaluated: 2021-03-01. Review status: criteria provided, single submitter. Criteria: Submitter's publication. Collection method: research. Allele origin: unknown. Affected: yes.
Comment: PM2, PVS1, PP4

Center for Medical Genetics Ghent, University of Ghent
Classification: Likely pathogenic for Marfan syndrome. Last evaluated: 2017-11-07. Review status: no assertion criteria provided. Collection method: clinical testing. Allele origin: germline. Affected: yes. Not counted in ClinVar's aggregate classification.

NM_000138.5(FBN1):c.3398_3408del (p.Glu1133fs)

Gene: FBN1 (fibrillin 1; minus strand). Cytogenetic location: 15q21.1.
Variant type: Deletion.
Coding change: c.3398_3408del on transcript NM_000138.5 (MANE Select); coding-DNA positions 3398 to 3408, 11 bases deleted (AGGGAAGTTAC).
Protein change: p.Glu1133fs; shifts the reading frame from glutamic acid 1133.
Molecular consequence: frameshift variant.
Genome position (GRCh38, 1-based): chr15:48,487,367-48,487,377, GTAACTTCCCT deleted on the plus strand (AGGGAAGTTAC on the coding strand, the reverse complement: FBN1 is on the minus strand). VCF-style (leftmost placement, unchanged base first): chr15-48487366-GGTAACTTCCCT-G. GRCh37 (hg19) VCF-style: chr15-48779563-GGTAACTTCCCT-G.
Other names: short protein forms E1133fs.
Identifiers: ClinVar variation 549163 (VCV000549163.18), dbSNP rs1555398566, ClinGen allele CA658824442.